The following is an entry in ClinVar:

NM_173689.7(CRB2):c.1724C>A (p.Thr575Asn)

Gene: CRB2 (crumbs cell polarity complex component 2; plus strand). Cytogenetic location: 9q33.3.
Variant type: single nucleotide variant.
Coding change: c.1724C>A on transcript NM_173689.7 (MANE Select); coding-DNA position 1724, C replaced by A.
Protein change: p.Thr575Asn; replaces threonine 575 with asparagine.
Molecular consequence: missense variant. On other transcripts: non-coding transcript variant (1).
Genome position (GRCh38, 1-based): chr9:123,370,777, C>A. VCF-style: chr9-123370777-C-A. GRCh37 (hg19) VCF-style: chr9-126133056-C-A.
Other names: short protein forms T575N.
Identifiers: ClinVar variation 1493076 (VCV001493076.8), dbSNP rs111594423, ClinGen allele CA5232037.
Genomic context (GRCh38, chr9:123,370,777, plus strand): 5'-CCACGGCTTCGGCAACTCCGCTGCCTGCCGGGATCTCCTCTGCCCAGCTGGGGGACGCGA[C>A]CTTTGCAGGCTGCCTCCAGGACGTGCGTGTGGATGGCCACCTCCTGCTGCCTGAGGATCT-3'
Protein context (NP_775960.4, residues 565-585): GISSAQLGDA[Thr575Asn]FAGCLQDVRV

ClinVar aggregate classification (germline): Uncertain significance. Review status: criteria provided, multiple submitters, no conflicts (2 of 4 stars). 2 submissions from 2 submitters: Uncertain significance (2). Last evaluated 2025-06-12.

Conditions:
Focal segmental glomerulosclerosis 9 (FSGS9). Identifiers: Orphanet 656, MedGen C4015555, MONDO:0014539, OMIM 616220.

Allele frequency attached by ClinVar (database versions not stated): gnomAD 0.00014; 1000 Genomes Project 30x 0.00031; 1000 Genomes Project 0.00040.
gnomAD v4.1: 48 of 1,602,780 alleles (0.003%); highest among the groups gnomAD compares: African/African-American, 0.039%; no homozygotes.

Submissions (2):

Labcorp Genetics (formerly Invitae), Labcorp
Classification: Uncertain significance. Last evaluated: 2025-06-12. Review status: criteria provided, single submitter. Criteria: Invitae Variant Classification Sherloc (09022015). Collection method: clinical testing. Allele origin: germline.
Comment: This sequence change replaces threonine, which is neutral and polar, with asparagine, which is neutral and polar, at codon 575 of the CRB2 protein (p.Thr575Asn). This variant is present in population databases (rs111594423, gnomAD 0.04%). This variant has not been reported in the literature in individuals affected with CRB2-related conditions. ClinVar contains an entry for this variant (Variation ID: 1493076). Invitae Evidence Modeling of protein sequence and biophysical properties (such as structural, functional, and spatial information, amino acid conservation, physicochemical variation, residue mobility, and thermodynamic stability) has been performed for this missense variant. However, the output from this modeling did not meet the statistical confidence thresholds required to predict the impact of this variant on CRB2 protein function. In summary, the available evidence is currently insufficient to determine the role of this variant in disease. Therefore, it has been classified as a Variant of Uncertain Significance.

Clinical Genomics Laboratory, Washington University in St. Louis
Classification: Uncertain significance for Focal segmental glomerulosclerosis 9. Last evaluated: 2024-05-26. Review status: criteria provided, single submitter. Criteria: ACMG Guidelines, 2015. Collection method: clinical testing. Allele origin: germline.
Comment: A CRB2 c.1724C>A (p.Thr575Asn) variant was identified. This variant, to our knowledge, has not been reported in the medical literature. It is observed on 12/274,680 alleles in the general population (gnomAD v.2.1.1) and been reported in the ClinVar database as a germline variant of uncertain significance by one submitter (ClinVar ID: 1493076). Computational predictors suggest that the variant does not impact CRB2 function. Due to limited information, and based on ACMG/AMP guidelines for variant interpretation (Richards S et al., PMID: 25741868), the clinical significance of this variant is uncertain at this time.